The following is an entry in ClinVar:

NM_001370100.5(ZMYND11):c.842A>C (p.His281Pro)

Gene: ZMYND11 (zinc finger MYND-type containing 11; plus strand). Cytogenetic location: 10p15.3.
Variant type: single nucleotide variant.
Coding change: c.842A>C on transcript NM_001370100.5 (MANE Select); coding-DNA position 842, A replaced by C.
Protein change: p.His281Pro; replaces histidine 281 with proline.
Molecular consequence: missense variant. On other transcripts: non-coding transcript variant (1).
Genome position (GRCh38, 1-based): chr10:242,031, A>C. VCF-style: chr10-242031-A-C. GRCh37 (hg19) VCF-style: chr10-287971-A-C.
Other names: c.680A>C, p.His227Pro (NM_001202464.3, NM_001202467.1, NM_001370103.2 and 6 more transcripts); c.587A>C, p.His196Pro (NM_001202465.3, NM_001370110.2); c.677A>C, p.His226Pro (NM_001202466.3, NM_001370111.2); c.842A>C, p.His281Pro (NM_001202468.1, NM_001370097.3, NM_001370098.2 and 5 more transcripts); c.791A>C, p.His264Pro (NM_001330057.3, NM_001370112.2); c.749A>C, p.His250Pro (NM_001370113.2, NM_001370114.2); c.839A>C, p.His280Pro (NM_001370115.2, NM_212479.4); c.776A>C, p.His259Pro (NM_001370116.2); and 7 more; short protein forms H227P, H124P, H179P, H187P, H196P, H264P, H162P, H205P.
Identifiers: ClinVar variation 941468 (VCV000941468.9), dbSNP rs1951070330, ClinGen allele CA375816608.

ClinVar aggregate classification (germline): Likely pathogenic (1 of 4 stars; one submission).

Submission:

Labcorp Genetics (formerly Invitae), Labcorp
Classification: Likely pathogenic. Last evaluated: 2019-08-09. Review status: criteria provided, single submitter. Criteria: Invitae Variant Classification Sherloc (09022015). Collection method: clinical testing. Allele origin: germline.
Comment: This variant is not present in population databases (ExAC no frequency). This sequence change replaces histidine with proline at codon 281 of the ZMYND11 protein (p.His281Pro). The histidine residue is highly conserved and there is a moderate physicochemical difference between histidine and proline. This variant has been observed in individual(s) with clinical features of ZMYND11-related disorders (Invitae). In at least one individual the variant was observed to be de novo. In summary, the currently available evidence indicates that the variant is pathogenic, but additional data are needed to prove that conclusively. Therefore, this variant has been classified as Likely Pathogenic. Algorithms developed to predict the effect of missense changes on protein structure and function are either unavailable or do not agree on the potential impact of this missense change (SIFT: "Deleterious"; PolyPhen-2: "Probably Damaging"; Align-GVGD: "Class C0").